The following is an entry in ClinVar:

ClinVar aggregate classification (germline): Uncertain significance (1 of 4 stars; one submission).

Conditions:
Angelman syndrome (AS). Also called: HAPPY PUPPET SYNDROME. Identifiers: Orphanet 72, MedGen C0162635, MONDO:0007113, OMIM 105830. Disease mechanism: loss of function. Inheritance: AS is caused by disruption of maternally imprinted UBE3A located within the 15q11.2-q13 Angelman syndrome/Prader-Willi syndrome (AS/PWS) region., imprinting disorder.

Submission:

3billion
Classification: Uncertain significance for Angelman syndrome. Last evaluated: 2023-09-21. Review status: criteria provided, single submitter. Criteria: ACMG Guidelines, 2015. Collection method: clinical testing. Allele origin: germline. Affected: yes.
Comment: The variant is not observed in the gnomAD v2.1.1 dataset. Predicted Consequence/Location: Missense variant In silico tool predictions suggest damaging effect of the variant on gene or gene product [REVEL: 0.80 (>=0.6, sensitivity 0.68 and specificity 0.92); 3Cnet: 0.80 (>=0.6, sensitivity 0.72 and precision 0.9)]. Therefore, this variant is classified as VUS according to the recommendation of ACMG/AMP guideline.

NM_130839.5(UBE3A):c.1346A>T (p.Glu449Val)

Genes: SNHG14 (small nucleolar RNA host gene 14; plus strand), UBE3A (ubiquitin protein ligase E3A; minus strand). Cytogenetic location: 15q11.2.
Variant type: single nucleotide variant.
Coding change: c.1346A>T on transcript NM_130839.5 (MANE Select); coding-DNA position 1346, A replaced by T.
Protein change: p.Glu449Val; replaces glutamic acid 449 with valine.
Molecular consequence: missense variant. On other transcripts: non-coding transcript variant (1), intron variant (2).
Genome position (GRCh38, 1-based): chr15:25,370,828, T>A on the plus strand (A>T on the coding strand, the complement: UBE3A is on the minus strand). VCF-style: chr15-25370828-T-A. GRCh37 (hg19) VCF-style: chr15-25615975-T-A.
Other names: c.1286A>T, p.Glu429Val (NM_001354542.2, NM_001354543.2, NM_001354544.2 and 17 more transcripts); c.1346A>T, p.Glu449Val (NM_001354545.2, NM_001354505.1, NM_001354538.2); c.1169A>T, p.Glu390Val (NM_001354546.2); c.301+4637A>T (NM_001354551.2); c.361+4637A>T (NM_001354550.2); c.1355A>T, p.Glu452Val (NM_000462.5); short protein forms E390V, E429V, E449V, E452V.
Identifiers: ClinVar variation 3775472 (VCV003775472.1).
Genomic context (GRCh38, chr15:25,370,828, plus strand): 5'-TCTGTTTCTACTTTGAAAAAAGTATAATCTTTATCCATTTCTAGAACCTCATTCAGTGGT[T>A]CATTAATAAACTCTTCAAAAGGGATAAGTGGTTTTCGACAATCCAGGGTTTTAACACCAA-3'
Protein context (NP_570854.1, residues 439-459): PLIPFEEFIN[Glu449Val]PLNEVLEMDK